The following is an entry in ClinVar:

ClinVar aggregate classification (germline): Likely pathogenic. Review status: criteria provided, single submitter (1 of 4 stars). 2 submissions from 2 submitters: Likely pathogenic (1). 1 of the submissions does not count toward it.

Conditions:
Oocyte/zygote/embryo maturation arrest 20 (OZEMA20). Identifiers: MedGen C5830539, MONDO:0957278, OMIM 620383.

Allele frequency attached by ClinVar (database versions not stated): gnomAD 0.00001; TOPMed 0.00001; ExAC 0.00003.
gnomAD v4.1: 3 of 1,614,014 alleles (0.00019%); highest among the groups gnomAD compares: East Asian, 0.0067%; no homozygotes.

Submissions (2):

Juno Genomics, Hangzhou Juno Genomics, Inc
Classification: Likely pathogenic for Oocyte/zygote/embryo maturation arrest 20. Review status: criteria provided, single submitter. Criteria: ACMG Guidelines, 2015. Collection method: clinical testing. Allele origin: germline.
Comment: Absent from controls (or at extremely low frequency if recessive) in Genome Aggregation Database.;Well-established in vitro or in vivo functional studies supportive of a damaging effect on the gene or gene product.;For recessive disorders, detected in trans with a pathogenic variant.;Patient's phenotype or family history is highly specific for a disease with a single genetic etiology.

OMIM
Classification: Pathogenic for OOCYTE/ZYGOTE/EMBRYO MATURATION ARREST 20. Last evaluated: 2023-05-17. Review status: no assertion criteria provided. Collection method: literature only. Allele origin: germline. Not counted in ClinVar's aggregate classification.

Literature cited by the submitters: PubMed 34779126 (cited by OMIM); PubMed 34997960 (cited by OMIM).

NM_005372.1(MOS):c.285C>A (p.Asn95Lys)

Gene: MOS (MOS proto-oncogene, serine/threonine kinase; minus strand). Cytogenetic location: 8q12.1.
Variant type: single nucleotide variant.
Coding change: c.285C>A on transcript NM_005372.1 (MANE Select); coding-DNA position 285, C replaced by A.
Protein change: p.Asn95Lys; replaces asparagine 95 with lysine.
Molecular consequence: missense variant.
Genome position (GRCh38, 1-based): chr8:56,113,698, G>T on the plus strand (C>A on the coding strand, the complement: MOS is on the minus strand). VCF-style: chr8-56113698-G-T. GRCh37 (hg19) VCF-style: chr8-57026257-G-T.
Other names: short protein forms N95K.
Identifiers: ClinVar variation 2502325 (VCV002502325.3), dbSNP rs774064952, ClinGen allele CA4754713.